The following is an entry in ClinVar:

NM_000245.4(MET):c.4037G>A (p.Gly1346Glu)

Gene: MET (MET proto-oncogene, receptor tyrosine kinase; plus strand). Cytogenetic location: 7q31.2.
Variant type: single nucleotide variant.
Coding change: c.4037G>A on transcript NM_000245.4 (MANE Select); coding-DNA position 4037, G replaced by A.
Protein change: p.Gly1346Glu; replaces glycine 1346 with glutamic acid.
Molecular consequence: missense variant.
Genome position (GRCh38, 1-based): chr7:116,795,988, G>A. VCF-style: chr7-116795988-G-A. GRCh37 (hg19) VCF-style: chr7-116436042-G-A.
Other names: c.4091G>A, p.Gly1364Glu (NM_001127500.3); c.2747G>A, p.Gly916Glu (NM_001324402.2); short protein forms G1346E, G1364E, G916E.
Identifiers: ClinVar variation 1328578 (VCV001328578.7), dbSNP rs2117111902, ClinGen allele CA369118260.

ClinVar aggregate classification (germline): Uncertain significance. Review status: criteria provided, multiple submitters, no conflicts (2 of 4 stars). 3 submissions from 3 submitters: Uncertain significance (3). Last evaluated 2025-03-06.

Conditions:
Hereditary cancer-predisposing syndrome. Also called: Hereditary Cancer Syndrome; Tumor predisposition; Neoplastic Syndromes, Hereditary; Hereditary neoplastic syndrome. Identifiers: Orphanet 140162, MedGen C0027672, MeSH D009386, MONDO:0015356.
Renal cell carcinoma. Identifiers: Orphanet 217071, MedGen C0007134, MeSH D002292, MONDO:0005086, HP:0005584.

Allele frequency attached by ClinVar (database versions not stated): gnomAD exomes below 0.00001.
gnomAD v4.1: 1 of 1,614,016 alleles (0.000062%); highest among the groups gnomAD compares: Non-Finnish European, 0.000085%; no homozygotes.

Submissions (3):

Ambry Genetics
Classification: Uncertain significance for Hereditary cancer-predisposing syndrome. Last evaluated: 2025-03-06. Review status: criteria provided, single submitter. Criteria: Ambry Variant Classification Scheme 2023. Collection method: clinical testing. Allele origin: germline.
Comment: The p.G1364E variant (also known as c.4091G>A), located in coding exon 20 of the MET gene, results from a G to A substitution at nucleotide position 4091. The glycine at codon 1364 is replaced by glutamic acid, an amino acid with similar properties. This amino acid position is conserved. In addition, this alteration is predicted to be deleterious by in silico analysis. Based on the available evidence, the clinical significance of this variant remains unclear.

Labcorp Genetics (formerly Invitae), Labcorp
Classification: Uncertain significance for Renal cell carcinoma. Last evaluated: 2022-04-05. Review status: criteria provided, single submitter. Criteria: Invitae Variant Classification Sherloc (09022015). Collection method: clinical testing. Allele origin: germline.
Comment: This sequence change replaces glycine, which is neutral and non-polar, with glutamic acid, which is acidic and polar, at codon 1364 of the MET protein (p.Gly1364Glu). This variant is not present in population databases (gnomAD no frequency). This variant has not been reported in the literature in individuals affected with MET-related conditions. ClinVar contains an entry for this variant (Variation ID: 1328578). Algorithms developed to predict the effect of missense changes on protein structure and function (SIFT, PolyPhen-2, Align-GVGD) all suggest that this variant is likely to be disruptive. In summary, the available evidence is currently insufficient to determine the role of this variant in disease. Therefore, it has been classified as a Variant of Uncertain Significance.

GeneDx
Classification: Uncertain significance. Last evaluated: 2021-06-17. Review status: criteria provided, single submitter. Criteria: GeneDx Variant Classification Process June 2021. Collection method: clinical testing. Allele origin: germline. Affected: yes.
Comment: Not observed at significant frequency in large population cohorts (Lek 2016); In silico analysis supports that this missense variant has a deleterious effect on protein structure/function; Has not been previously published as pathogenic or benign to our knowledge; This variant is associated with the following publications: (PMID: 27535533)